The following is an entry in ClinVar:

NM_007294.4(BRCA1):c.4332T>C (p.Asn1444=)

Gene: BRCA1 (BRCA1 DNA repair associated; minus strand). Cytogenetic location: 17q21.31.
Variant type: single nucleotide variant.
Coding change: c.4332T>C on transcript NM_007294.4 (MANE Select); coding-DNA position 4332, T replaced by C.
Protein change: p.Asn1444=; no amino-acid change (asparagine 1444 retained).
Molecular consequence: synonymous variant.
Genome position (GRCh38, 1-based): chr17:43,082,429, A>G on the plus strand (T>C on the coding strand, the complement: BRCA1 is on the minus strand). VCF-style: chr17-43082429-A-G. GRCh37 (hg19) VCF-style: chr17-41234446-A-G.
Other names: c.4119T>C, p.Asn1373= (NM_001407918.1, NM_001407571.1, NM_001407853.1 and 12 more transcripts); c.4209T>C, p.Asn1403= (NM_001407919.1, NM_001407937.1, NM_001407938.1 and 13 more transcripts); c.4068T>C, p.Asn1356= (NM_001407920.1, NM_001407921.1, NM_001407922.1 and 7 more transcripts); c.4065T>C, p.Asn1355= (NM_001407930.1, NM_001407931.1, NM_001407932.1 and 3 more transcripts); c.4062T>C, p.Asn1354= (NM_001407934.1); c.4206T>C, p.Asn1402= (NM_001407940.1, NM_001407941.1, NM_001407649.1 and 12 more transcripts); c.4191T>C, p.Asn1397= (NM_001407942.1, NM_001407944.1, NM_001407945.1 and 23 more transcripts); c.4188T>C, p.Asn1396= (NM_001407943.1, NM_001407964.1, NM_001407740.1 and 23 more transcripts); and 51 more.
Identifiers: ClinVar variation 427343 (VCV000427343.34), dbSNP rs752824502, ClinGen allele CA059939.

ClinVar aggregate classification (germline): Likely benign. Review status: reviewed by expert panel (3 of 4 stars). 10 submissions from 10 submitters: Likely benign (1). 9 of the submissions do not count toward it. Last evaluated 2017-06-29.

Conditions:
Hereditary cancer-predisposing syndrome. Also called: Neoplastic Syndromes, Hereditary; Hereditary neoplastic syndrome; Tumor predisposition; Hereditary Cancer Syndrome. Identifiers: Orphanet 140162, MedGen C0027672, MeSH D009386, MONDO:0015356.
Hereditary breast ovarian cancer syndrome. Also called: Hereditary breast and ovarian cancer syndrome (HBOC); BRCA1- and BRCA2-Associated Hereditary Breast and Ovarian Cancer; Hereditary breast and/or ovarian cancer syndrome; Hereditary breast and ovarian cancer syndrome; Hereditary breast and ovarian cancer; Breast and ovarian cancer. Identifiers: Orphanet 145, MedGen C0677776, MeSH D061325, MONDO:0003582. Disease mechanism: loss of function.
BRCA1-related disorder. Also called: BRCA1-related condition.
Breast-ovarian cancer, familial, susceptibility to, 1 (BROVCA1). Also called: BRCA1 Hereditary Breast and Ovarian Cancer; OVARIAN CANCER, SUSCEPTIBILITY TO. Identifiers: Orphanet 145, MedGen C2676676, MONDO:0011450, OMIM 604370. Disease mechanism: loss of function.

Allele frequency attached by ClinVar (database versions not stated): gnomAD 0.00001; gnomAD exomes 0.00001 and 0.00002; TOPMed 0.00001; ExAC 0.00002.
gnomAD v4.1: 7 of 1,613,986 alleles (0.00043%); highest among the groups gnomAD compares: Admixed American, 0.012%; no homozygotes.

Submissions (10):

Evidence-based Network for the Interpretation of Germline Mutant Alleles (ENIGMA)
Classification: Likely benign for Breast-ovarian cancer, familial, susceptibility to, 1. Last evaluated: 2017-06-29. Review status: reviewed by expert panel. Criteria: ENIGMA BRCA1/2 Classification Criteria (2017-06-29). Collection method: curation. Allele origin: germline.
Comment: Synonymous substitution variant, with low bioinformatic likelihood to result in a splicing aberration (Splicing prior probability 0.02).

Labcorp Genetics (formerly Invitae), Labcorp
Classification: Likely benign for Hereditary breast ovarian cancer syndrome. Last evaluated: 2025-10-27. Review status: criteria provided, single submitter. Criteria: Invitae Variant Classification Sherloc (09022015). Collection method: clinical testing. Allele origin: germline. Not counted in ClinVar's aggregate classification.

Quest Diagnostics Nichols Institute San Juan Capistrano
Classification: Likely benign. Last evaluated: 2025-10-16. Review status: criteria provided, single submitter. Criteria: Quest Diagnostics criteria. Collection method: clinical testing. Allele origin: unknown. Not counted in ClinVar's aggregate classification.

All of Us Research Program, National Institutes of Health
Classification: Likely benign for Breast-ovarian cancer, familial, susceptibility to, 1. Last evaluated: 2023-10-02. Review status: criteria provided, single submitter. Criteria: ACMG Guidelines, 2015. Collection method: clinical testing. Allele origin: germline. Inheritance: Autosomal dominant inheritance. Observed: 1 variant allele, 1 heterozygote. Not counted in ClinVar's aggregate classification.
Comment: This study involves interpretation of variants in research participants for the purpose of population health screening. Participant phenotype was not available at the time of variant classification. Additional details can be found in publication PMID: 35346344, PMCID: PMC8962531

Blueprint Genetics
Classification: Likely benign. Last evaluated: 2022-08-02. Review status: criteria provided, single submitter. Criteria: ACMG Guidelines, 2015. Collection method: clinical testing. Allele origin: germline. Not counted in ClinVar's aggregate classification.

Women's Health and Genetics/Laboratory Corporation of America, LabCorp
Classification: Likely benign. Last evaluated: 2019-08-21. Review status: criteria provided, single submitter. Criteria: LabCorp Variant Classification Summary - May 2015. Collection method: clinical testing. Allele origin: germline. Not counted in ClinVar's aggregate classification.

ARUP Laboratories, Molecular Genetics and Genomics, ARUP Laboratories
Classification: Likely benign. Last evaluated: 2019-04-16. Review status: criteria provided, single submitter. Criteria: ARUP Molecular Germline Variant Investigation Process. Collection method: clinical testing. Allele origin: germline. Not counted in ClinVar's aggregate classification.

Color Diagnostics, LLC DBA Color Health
Classification: Likely benign for Hereditary cancer-predisposing syndrome. Last evaluated: 2018-12-14. Review status: criteria provided, single submitter. Criteria: ACMG Guidelines, 2015. Collection method: clinical testing. Allele origin: germline. Not counted in ClinVar's aggregate classification.

Ambry Genetics
Classification: Likely benign for Hereditary cancer-predisposing syndrome. Last evaluated: 2015-07-29. Review status: criteria provided, single submitter. Criteria: Ambry Variant Classification Scheme 2023. Collection method: clinical testing. Allele origin: germline. Not counted in ClinVar's aggregate classification.

PreventionGenetics, part of Exact Sciences
Classification: Likely benign for BRCA1-related condition. Last evaluated: 2020-07-30. Review status: no assertion criteria provided. Collection method: clinical testing. Allele origin: germline. Not counted in ClinVar's aggregate classification.
Comment: This variant is classified as likely benign based on ACMG/AMP sequence variant interpretation guidelines (Richards et al. 2015 PMID: 25741868, with internal and published modifications).

Literature cited by the submitters: PubMed 32467295 (cited by Quest Diagnostics Nichols Institute San Juan Capistrano).